The following is an entry in ClinVar:

NM_001267550.2(TTN):c.53464T>C (p.Cys17822Arg)

Genes: TTN (titin; minus strand), TTN-AS1 (TTN antisense RNA 1; plus strand). Cytogenetic location: 2q31.2.
Variant type: single nucleotide variant.
Coding change: c.53464T>C on transcript NM_001267550.2 (MANE Select); coding-DNA position 53464, T replaced by C.
Protein change: p.Cys17822Arg; replaces cysteine 17822 with arginine.
Molecular consequence: missense variant.
Genome position (GRCh38, 1-based): chr2:178,607,138, A>G on the plus strand (T>C on the coding strand, the complement: TTN is on the minus strand). VCF-style: chr2-178607138-A-G. GRCh37 (hg19) VCF-style: chr2-179471865-A-G.
Other names: c.48541T>C, p.Cys16181Arg (NM_001256850.1); c.26269T>C, p.Cys8757Arg (NM_003319.4); c.45760T>C, p.Cys15254Arg (NM_133378.4); c.26644T>C, p.Cys8882Arg (NM_133432.3); c.26845T>C, p.Cys8949Arg (NM_133437.4); short protein forms C15254R, C16181R, C17822R, C8757R, C8882R, C8949R.
Identifiers: ClinVar variation 4820521 (VCV004820521.1).

ClinVar aggregate classification (germline): Likely benign (1 of 4 stars; one submission).

Submission:

Molecular Diagnostic Laboratory for Inherited Cardiovascular Disease, Montreal Heart Institute
Classification: Likely benign. Last evaluated: 2026-03-27. Review status: criteria provided, single submitter. Criteria: ACMG Guidelines, 2015. Collection method: clinical testing. Allele origin: germline. Affected: no.
Comment: BP1